The following is an entry in ClinVar:

NM_001377137.1(GBF1):c.1229G>T (p.Arg410Leu)

Gene: GBF1 (golgi brefeldin A resistant guanine nucleotide exchange factor 1; plus strand). Cytogenetic location: 10q24.32.
Variant type: single nucleotide variant.
Coding change: c.1229G>T on transcript NM_001377137.1 (MANE Select); coding-DNA position 1229, G replaced by T.
Protein change: p.Arg410Leu; replaces arginine 410 with leucine.
Molecular consequence: missense variant. On other transcripts: non-coding transcript variant (4), intron variant (1).
Genome position (GRCh38, 1-based): chr10:102,360,232, G>T. VCF-style: chr10-102360232-G-T. GRCh37 (hg19) VCF-style: chr10-104119989-G-T.
Other names: c.1229G>T, p.Arg410Leu (NM_001391923.1, NM_001391926.1, NM_001199378.2); c.1226G>T, p.Arg409Leu (NM_001391924.1, NM_001391925.1, NM_001391927.1 and 9 more transcripts); c.1301G>T, p.Arg434Leu (NM_001411003.1); c.1325G>T, p.Arg442Leu (NM_001411027.1, NM_001391922.1); c.1012-790G>T (NM_001391931.1); short protein forms R409L, R410L, R434L, R442L.
Identifiers: ClinVar variation 3899271 (VCV003899271.1).

ClinVar aggregate classification (germline): Uncertain significance (1 of 4 stars; one submission).

Conditions:
Charcot-Marie-Tooth Disease, axonal, type 2GG (CMT2GG). Also called: Charcot-Marie-Tooth neuropathy, type 2GG; Charcot-Marie-Tooth neuropathy, axonal, type 2GG; Charcot-Marie-Tooth disease dominant intermediate II. Identifiers: Orphanet 100043, MedGen C5561933, MONDO:0011675, OMIM 606483.

Submission:

Department of Clinical Genetics, Copenhagen University Hospital, Rigshospitalet
Classification: Uncertain significance for Charcot-Marie-Tooth Disease, axonal, type 2GG. Last evaluated: 2024-07-09. Review status: criteria provided, single submitter. Criteria: ACMG Guidelines, 2015. Collection method: clinical testing. Allele origin: germline.
Comment: PP3_M, PP2_Sup, PM2_Sup